The following is an entry in ClinVar:

ClinVar aggregate classification (germline): Uncertain significance. Review status: criteria provided, multiple submitters, no conflicts (2 of 4 stars). 2 submissions from 2 submitters: Uncertain significance (2). Last evaluated 2026-06-04.

Conditions:
Hereditary cancer-predisposing syndrome. Also called: Tumor predisposition; Hereditary neoplastic syndrome; Neoplastic Syndromes, Hereditary; Hereditary Cancer Syndrome. Identifiers: Orphanet 140162, MedGen C0027672, MeSH D009386, MONDO:0015356.
Cardiovascular phenotype. Identifiers: MedGen CN230736.

Allele frequency attached by ClinVar (database versions not stated): TOPMed 0.00001.

Submissions (2):

Ambry Genetics
Classification: Uncertain significance for Cardiovascular phenotype; Hereditary cancer-predisposing syndrome. Last evaluated: 2026-06-04. Review status: criteria provided, single submitter. Criteria: Ambry Variant Classification Scheme 2023. Collection method: clinical testing. Allele origin: germline.
Comment: The p.E596D variant (also known as c.1788G>C), located in coding exon 16 of the LZTR1 gene, results from a G to C substitution at nucleotide position 1788. The glutamic acid at codon 596 is replaced by aspartic acid, an amino acid with highly similar properties. This amino acid position is conserved. In addition, the in silico prediction for this alteration is inconclusive. Based on the available evidence, the clinical significance of this variant remains unclear.

Labcorp Genetics (formerly Invitae), Labcorp
Classification: Uncertain significance. Last evaluated: 2023-04-11. Review status: criteria provided, single submitter. Criteria: Invitae Variant Classification Sherloc (09022015). Collection method: clinical testing. Allele origin: germline.
Comment: In summary, the available evidence is currently insufficient to determine the role of this variant in disease. Therefore, it has been classified as a Variant of Uncertain Significance. An algorithm developed to predict the effect of missense changes on protein structure and function (PolyPhen-2) suggests that this variant is likely to be tolerated. This variant has not been reported in the literature in individuals affected with LZTR1-related conditions. This variant is not present in population databases (gnomAD no frequency). This sequence change replaces glutamic acid, which is acidic and polar, with aspartic acid, which is acidic and polar, at codon 596 of the LZTR1 protein (p.Glu596Asp).

NM_006767.4(LZTR1):c.1788G>C (p.Glu596Asp)

Gene: LZTR1 (leucine zipper like post translational regulator 1; plus strand). Cytogenetic location: 22q11.21.
Variant type: single nucleotide variant.
Coding change: c.1788G>C on transcript NM_006767.4 (MANE Select); coding-DNA position 1788, G replaced by C.
Protein change: p.Glu596Asp; replaces glutamic acid 596 with aspartic acid.
Molecular consequence: missense variant.
Genome position (GRCh38, 1-based): chr22:20,994,872, G>C. VCF-style: chr22-20994872-G-C. GRCh37 (hg19) VCF-style: chr22-21349161-G-C.
Other names: c.1788G>C (NM_006767.3); short protein forms E596D.
Identifiers: ClinVar variation 2809834 (VCV002809834.4), dbSNP rs1924769800, ClinGen allele CA410778450.